The following is an entry in ClinVar:

NM_001458.5(FLNC):c.2390-13C>T

Gene: FLNC (filamin C; plus strand). Cytogenetic location: 7q32.1.
Variant type: single nucleotide variant.
Coding change: c.2390-13C>T on transcript NM_001458.5 (MANE Select); 13 bases into the intron before coding-DNA position 2390, C replaced by T.
Molecular consequence: intron variant.
Genome position (GRCh38, 1-based): chr7:128,842,781, C>T. VCF-style: chr7-128842781-C-T. GRCh37 (hg19) VCF-style: chr7-128482835-C-T.
Other names: c.2390-13C>T (NM_001127487.2).
Identifiers: ClinVar variation 258136 (VCV000258136.18), dbSNP rs78086167, ClinGen allele CA4474715.

ClinVar aggregate classification (germline): Benign. Review status: criteria provided, multiple submitters, no conflicts (2 of 4 stars). 10 submissions from 10 submitters: Benign (7). 3 of the submissions do not count toward it. Last evaluated 2026-02-04.

Conditions:
Myofibrillar myopathy 5. Also called: Filaminopathy (type); FILAMINOPATHY, AUTOSOMAL DOMINANT. Identifiers: Orphanet 171445, MedGen C1836050, MONDO:0012289, OMIM 609524.
Distal myopathy with posterior leg and anterior hand involvement. Also called: WILLIAMS DISTAL MYOPATHY. Identifiers: Orphanet 63273, MedGen C3279722, MONDO:0013550, OMIM 614065.
Hypertrophic cardiomyopathy 26. Also called: Cardiomyopathy, familial hypertrophic, 26. Identifiers: Orphanet 75249, MedGen C4310749, MONDO:0014883, OMIM 617047.

Allele frequency attached by ClinVar (database versions not stated): 1000 Genomes Project 0.01478; TOPMed 0.02109; ESP Exome Variant Server 0.02590; gnomAD 0.02793 and 0.02800; gnomAD exomes 0.03132; ExAC 0.03624; 1000 Genomes Project 30x 0.01405.
gnomAD v4.1: 54,534 of 1,612,930 alleles (3.4%); highest among the groups gnomAD compares: Non-Finnish European, 3.7%; 1,154 homozygotes.

Submissions (10):

Labcorp Genetics (formerly Invitae), Labcorp
Classification: Benign for Distal myopathy with posterior leg and anterior hand involvement; Myofibrillar myopathy 5; Hypertrophic cardiomyopathy 26. Last evaluated: 2026-02-04. Review status: criteria provided, single submitter. Criteria: Invitae Variant Classification Sherloc (09022015). Collection method: clinical testing. Allele origin: germline.

Blueprint Genetics
Classification: Benign. Last evaluated: 2024-11-27. Review status: criteria provided, single submitter. Criteria: ACMG Guidelines, 2015. Collection method: clinical testing. Allele origin: germline.

Women's Health and Genetics/Laboratory Corporation of America, LabCorp
Classification: Benign. Last evaluated: 2023-07-29. Review status: criteria provided, single submitter. Criteria: LabCorp Variant Classification Summary - May 2015. Collection method: clinical testing. Allele origin: germline.

GeneDx
Classification: Benign. Last evaluated: 2016-01-13. Review status: criteria provided, single submitter. Criteria: GeneDx Variant Classification (06012015). Collection method: clinical testing. Allele origin: germline. Affected: yes.
Comment: This variant is considered likely benign or benign based on one or more of the following criteria: it is a conservative change, it occurs at a poorly conserved position in the protein, it is predicted to be benign by multiple in silico algorithms, and/or has population frequency not consistent with disease.

Laboratory for Molecular Medicine, Mass General Brigham Personalized Medicine
Classification: Benign. Last evaluated: 2014-11-24. Review status: criteria provided, single submitter. Criteria: LMM Criteria. Collection method: clinical testing. Allele origin: germline. Observed: 1 variant allele.
Comment: 2390-13C>T in intron 15 of FLNC: This variant is not expected to have clinical s ignificance because it has been identified in 3.5% (296/8414) of European Americ an chromosomes from a broad population by the NHLBI Exome Sequencing Project (dbSNP rs78086167).

Breakthrough Genomics
Classification: Benign. Review status: criteria provided, single submitter. Criteria: ACMG Guidelines, 2015. Collection method: not provided. Allele origin: germline. Inheritance: Autosomal dominant inheritance. Affected: yes.

PreventionGenetics, part of Exact Sciences
Classification: Benign. Review status: criteria provided, single submitter. Criteria: ACMG Guidelines, 2015. Collection method: clinical testing. Allele origin: germline.

Clinical Genetics, Academic Medical Center
Classification: Benign. Review status: no assertion criteria provided. Collection method: clinical testing. Allele origin: germline. Affected: yes. Study: VKGL Data-share Consensus. Not counted in ClinVar's aggregate classification.

Genome Diagnostics Laboratory, University Medical Center Utrecht
Classification: Benign. Review status: no assertion criteria provided. Collection method: clinical testing. Allele origin: germline. Affected: yes. Study: VKGL Data-share Consensus. Not counted in ClinVar's aggregate classification.

Laboratory of Diagnostic Genome Analysis, Leiden University Medical Center (LUMC)
Classification: Likely benign. Review status: no assertion criteria provided. Collection method: clinical testing. Allele origin: germline. Affected: yes. Study: VKGL Data-share Consensus. Not counted in ClinVar's aggregate classification.